The following is an entry in ClinVar:

ClinVar aggregate classification (germline): Uncertain significance. Review status: reviewed by expert panel (3 of 4 stars). 6 submissions from 6 submitters: Uncertain significance (1). 5 of the submissions do not count toward it. Last evaluated 2025-08-01.

Conditions:
RYR1-related disorder. Also called: RYR1-related disorders; RYR1-related condition. Identifiers: MedGen CN239331.
Malignant hyperthermia, susceptibility to, 1 (MHS1). Also called: Anesthesia related hyperthermia; Malignant hyperpyrexia; Fulminating hyperpyrexia; Pharmacogenic myopathy; RYR1-Related Malignant Hyperthermia Susceptibility; Malignant hyperthermia suceptibility 1. Identifiers: Orphanet 423, MedGen C2930980, MONDO:0007783, OMIM 145600.

Allele frequency attached by ClinVar (database versions not stated): ExAC 0.00003; gnomAD 0.00003; gnomAD exomes 0.00003; TOPMed 0.00005; ESP Exome Variant Server 0.00008.
gnomAD v4.1: 29 of 1,606,690 alleles (0.0018%); highest among the groups gnomAD compares: South Asian, 0.0055%; no homozygotes.

Submissions (6):

ClinGen Malignant Hyperthermia Susceptibility Variant Curation Expert Panel, ClinGen
Classification: Uncertain significance for Malignant hyperthermia, susceptibility to, 1. Last evaluated: 2025-08-01. Review status: reviewed by expert panel. Criteria: ClinGen MHS ACMG Specifications V2. Collection method: curation. Allele origin: germline. Inheritance: Autosomal dominant inheritance.
Comment: This pathogenicity assessment is relevant only for malignant hyperthermia susceptibility (MHS) inherited in an autosomal dominant pattern. Variants in RYR1 can also cause other myopathies inherited in an autosomal dominant pattern or in an autosomal recessive pattern. Some of these disorders may predispose individuals to malignant hyperthermia. RYR1 variants may also contribute to a malignant hyperthermia reaction in combination with other genetic and non-genetic factors and the clinician needs to consider such factors in making management decisions. This sequence variant predicts a substitution of glutamic acid with lysine at codon 2404 of the RYR1 protein, p.(Glu2404Lys). The maximum allele frequency for this variant among the six major gnomAD populations is AFR: 0.000127, a frequency consistent with pathogenicity for MHS. This variant has been reported in an individual with a personal or family history of an MH episode and a positive in vitro contracture test (IVCT) or caffeine halothane contracture test (CHCT) result (if the proband was unavailable for testing, a positive diagnostic test result in a mutation-positive relative was counted) (PMID:19191329). However, the high MAF in the AFR population in gnomAD precludes the use of PS4. An ex vivo assay in lymphoblasts from multiple related individuals showed an increased sensitivity to RYR1 agonists but this does not meet the criteria for PS3 which requires samples from multiple unrelated individuals to be tested (PMID:19191329). This variant resides in a region of RYR1 considered to be a hotspot for pathogenic variants that contribute to MHS, PM1 (PMID: 21118704). This variant segregates with MHS in three individuals, PP1_Supporting (PMID:19191329). A REVEL score of 0.676 supports neither a pathogenic nor a benign status for this variant. This variant has been classified as a Variant of Unknown Significance. Criteria implemented: PM1, PP1_Supporting.

Labcorp Genetics (formerly Invitae), Labcorp
Classification: Uncertain significance for RYR1-related disorder. Last evaluated: 2025-07-31. Review status: criteria provided, single submitter. Criteria: Invitae Variant Classification Sherloc (09022015). Collection method: clinical testing. Allele origin: germline. Not counted in ClinVar's aggregate classification.
Comment: This sequence change replaces glutamic acid, which is acidic and polar, with lysine, which is basic and polar, at codon 2404 of the RYR1 protein (p.Glu2404Lys). This variant is present in population databases (rs111364296, gnomAD 0.01%). This missense change has been observed in individual(s) with autosomal dominant malignant hyperthermia and/or statin-associated muscle symptoms (PMID: 19191329, 30325262). It has also been observed to segregate with disease in related individuals. ClinVar contains an entry for this variant (Variation ID: 161379). Invitae Evidence Modeling of protein sequence and biophysical properties (such as structural, functional, and spatial information, amino acid conservation, physicochemical variation, residue mobility, and thermodynamic stability) indicates that this missense variant is not expected to disrupt RYR1 protein function with a negative predictive value of 80%. In summary, the available evidence is currently insufficient to determine the role of this variant in disease. Therefore, it has been classified as a Variant of Uncertain Significance.

All of Us Research Program, National Institutes of Health
Classification: Uncertain significance for Malignant hyperthermia, susceptibility to, 1. Last evaluated: 2024-09-23. Review status: criteria provided, single submitter. Criteria: ACMG Guidelines, 2015. Collection method: clinical testing. Allele origin: germline. Inheritance: Autosomal dominant inheritance. Observed: 17 variant alleles, 17 heterozygotes. Not counted in ClinVar's aggregate classification.
Comment: This missense variant replaces glutamic acid with lysine at codon 2404 of the RYR1 protein. Computational prediction is inconclusive regarding the impact of this variant on protein structure and function (internally defined REVEL score threshold 0.5 < inconclusive < 0.7, PMID: 27666373). A functional study on patient-derived lymphoblastoid cells showed this variant increases sensitivity to caffeine but not 4-CmC compared to cells carrying wild-type RYR1 (PMID: 19191329). This variant has been reported in a family affected with malignant hyperthermia susceptibility (PMID: 19191329). This variant has been identified in 9/268418 chromosomes in the general population by the Genome Aggregation Database (gnomAD). The available evidence is insufficient to determine the role of this variant in disease conclusively. Therefore, this variant is classified as a Variant of Uncertain Significance.

This study involves interpretation of variants in research participants for the purpose of population health screening. Participant phenotype was not available at the time of variant classification. Additional details can be found in publication PMID: 35346344, PMCID: PMC8962531

Women's Health and Genetics/Laboratory Corporation of America, LabCorp
Classification: Uncertain significance. Last evaluated: 2024-07-30. Review status: criteria provided, single submitter. Criteria: LabCorp Variant Classification Summary - May 2015. Collection method: clinical testing. Allele origin: germline. Not counted in ClinVar's aggregate classification.
Comment: Variant summary: RYR1 c.7210G>A (p.Glu2404Lys) results in a conservative amino acid change in the encoded protein sequence. Three of five in-silico tools predict a benign effect of the variant on protein function. The variant allele was found at a frequency of 3e-05 in 237118 control chromosomes. c.7210G>A has been reported in the literature in individuals affected with Malignant Hyperthermia Susceptibility (Levano_2009). These data indicate that the variant may be associated with disease. It has also been observed in individuals with statin-associated muscle spasms (Isackson_2018) and facioscapulohumeral muscular dystrophy (Erdmann_2023). To our knowledge, no experimental evidence demonstrating an impact on protein function has been reported. The following publications have been ascertained in the context of this evaluation (PMID: 36100962, 30325262, 19191329). ClinVar contains an entry for this variant (Variation ID: 161379). Based on the evidence outlined above, the variant was classified as VUS-possibly pathogenic.

Color Diagnostics, LLC DBA Color Health
Classification: Uncertain significance for Malignant hyperthermia, susceptibility to, 1. Last evaluated: 2024-03-22. Review status: criteria provided, single submitter. Criteria: ACMG Guidelines, 2015. Collection method: clinical testing. Allele origin: germline. Not counted in ClinVar's aggregate classification.
Comment: This missense variant replaces glutamic acid with lysine at codon 2404 of the RYR1 protein. Computational prediction is inconclusive regarding the impact of this variant on protein structure and function. A functional study on patient-derived lymphoblastoid cells showed this variant increases sensitivity to caffeine but not 4-CmC compared to cells carrying wild-type RYR1 (PMID: 19191329). This variant has been reported in a family affected with malignant hyperthermia susceptibility (PMID: 19191329). This variant has been identified in 9/268418 chromosomes in the general population by the Genome Aggregation Database (gnomAD). Due to insufficient evidence, this variant is classified as a Variant of Uncertain Significance for autosomal dominant malignant hyperthermia.

CSER _CC_NCGL, University of Washington
Classification: Uncertain significance for Malignant hyperthermia. Last evaluated: 2014-06-01. Review status: no assertion criteria provided. Collection method: research. Allele origin: germline. Inheritance: Autosomal dominant inheritance. Study: ESP 6500 variant annotation. Not counted in ClinVar's aggregate classification.
Comment: Variants classified for the Actionable exomic incidental findings in 6503 participants: challenges of variant classification manuscript

Literature cited by the submitters: PubMed 19191329 (cited by 4 submitters); PubMed 30325262 (cited by Labcorp Genetics (formerly Invitae), Labcorp and Women's Health and Genetics/Laboratory Corporation of America, LabCorp); PubMed 36100962 (cited by Women's Health and Genetics/Laboratory Corporation of America, LabCorp).

NM_000540.3(RYR1):c.7210G>A (p.Glu2404Lys)

Gene: RYR1 (ryanodine receptor 1; plus strand). Cytogenetic location: 19q13.2.
Variant type: single nucleotide variant.
Coding change: c.7210G>A on transcript NM_000540.3 (MANE Select); coding-DNA position 7210, G replaced by A.
Protein change: p.Glu2404Lys; replaces glutamic acid 2404 with lysine.
Molecular consequence: missense variant.
Genome position (GRCh38, 1-based): chr19:38,499,817, G>A. VCF-style: chr19-38499817-G-A. GRCh37 (hg19) VCF-style: chr19-38990457-G-A.
Other names: NM_000540.2(RYR1):c.7210G>A; c.7210G>A, p.Glu2404Lys (NM_001042723.2); short protein forms E2404K.
Identifiers: ClinVar variation 161379 (VCV000161379.18), dbSNP rs111364296, ClinGen allele CA024723.